The following is an entry in ClinVar:

NM_001378615.1(CC2D2A):c.1730C>T (p.Ser577Leu)

Genes: CC2D2A (coiled-coil and C2 domain containing 2A; plus strand), FBXL5 (F-box and leucine rich repeat protein 5; minus strand). Cytogenetic location: 4p15.32.
Variant type: single nucleotide variant.
Coding change: c.1730C>T on transcript NM_001378615.1 (MANE Select); coding-DNA position 1730, C replaced by T.
Protein change: p.Ser577Leu; replaces serine 577 with leucine.
Molecular consequence: missense variant.
Genome position (GRCh38, 1-based): chr4:15,537,042, C>T. VCF-style: chr4-15537042-C-T. GRCh37 (hg19) VCF-style: chr4-15538665-C-T.
Other names: c.1730C>T, p.Ser577Leu (NM_001080522.2); c.1583C>T, p.Ser528Leu (NM_001378617.1); short protein forms S577L, S528L.
Identifiers: ClinVar variation 900132 (VCV000900132.13), dbSNP rs543650388, ClinGen allele CA2863744.

ClinVar aggregate classification (germline): Conflicting classifications of pathogenicity. Review status: criteria provided, conflicting classifications (1 of 4 stars). 6 submissions from 5 submitters: Uncertain significance (5); Likely benign (1). Last evaluated 2024-10-27.

Conditions:
Meckel-Gruber syndrome. Also called: Dysencephalia splachnocystica; DYSENCEPHALIA SPLANCHNOCYSTICA; GRUBER SYNDROME. Identifiers: Orphanet 564, MedGen C0265215, MONDO:0018921.
Joubert syndrome. Also called: Familial aplasia of the vermis; JOUBERT-BOLTSHAUSER SYNDROME. Identifiers: Orphanet 475, MedGen C5979921, MONDO:0018772.
Meckel syndrome, type 6. Identifiers: Orphanet 564, MedGen C2676790, MONDO:0012848, OMIM 612284.
Joubert syndrome 9 (JBTS9). Identifiers: Orphanet 2318, MedGen C2676788, MONDO:0012849, OMIM 612285.
Retinitis pigmentosa 93. Identifiers: MedGen C5676970, MONDO:0030797, OMIM 619845.
COACH syndrome 2. Identifiers: MedGen C5436837, MONDO:0030859, OMIM 619111.
CC2D2A-related disorder. Also called: CC2D2A-related disorders; CC2D2A-related condition. Identifiers: MedGen CN239313.
Inborn genetic diseases. Identifiers: MedGen C0950123, MeSH D030342.

Allele frequency attached by ClinVar (database versions not stated): gnomAD 0.00001; gnomAD exomes 0.00001 and 0.00002; ExAC 0.00002; TOPMed 0.00003; 1000 Genomes Project 30x 0.00016; 1000 Genomes Project 0.00020.
gnomAD v4.1: 9 of 1,613,488 alleles (0.00056%); highest among the groups gnomAD compares: African/African-American, 0.008%; no homozygotes.

Submissions (6):

Labcorp Genetics (formerly Invitae), Labcorp
Classification: Likely benign for Joubert syndrome; Meckel-Gruber syndrome. Last evaluated: 2024-10-27. Review status: criteria provided, single submitter. Criteria: Invitae Variant Classification Sherloc (09022015). Collection method: clinical testing. Allele origin: germline.

Fulgent Genetics
Classification: Uncertain significance for Meckel syndrome, type 6; Joubert syndrome 9; COACH syndrome 2; Retinitis pigmentosa 93. Last evaluated: 2024-01-21. Review status: criteria provided, single submitter. Criteria: ACMG Guidelines, 2015. Collection method: clinical testing. Allele origin: germline.

PreventionGenetics, part of Exact Sciences
Classification: Uncertain significance for CC2D2A-related condition. Last evaluated: 2022-11-17. Review status: criteria provided, single submitter. Criteria: ACMG Guidelines, 2015. Collection method: clinical testing. Allele origin: germline.
Comment: The CC2D2A c.1730C>T variant is predicted to result in the amino acid substitution p.Ser577Leu. To our knowledge, this variant has not been reported in the literature. This variant is reported in 0.026% of alleles in individuals of African descent in gnomAD. At this time, the clinical significance of this variant is uncertain due to the absence of conclusive functional and genetic evidence.

Ambry Genetics
Classification: Uncertain significance for Inborn genetic diseases. Last evaluated: 2021-10-12. Review status: criteria provided, single submitter. Criteria: Ambry Variant Classification Scheme 2023. Collection method: clinical testing. Allele origin: germline.

Illumina Laboratory Services, Illumina
Classification: Uncertain significance for Meckel syndrome, type 6. Last evaluated: 2018-01-13. Review status: criteria provided, single submitter. Criteria: ICSL Variant Classification Criteria 13 December 2019. Collection method: clinical testing. Allele origin: germline.

Illumina Laboratory Services, Illumina
Classification: Uncertain significance for Joubert syndrome 9. Last evaluated: 2018-01-13. Review status: criteria provided, single submitter. Criteria: ICSL Variant Classification Criteria 13 December 2019. Collection method: clinical testing. Allele origin: germline.